The following is an entry in ClinVar:

ClinVar aggregate classification (germline): Pathogenic/Likely pathogenic. Review status: criteria provided, multiple submitters, no conflicts (2 of 4 stars). 7 submissions from 7 submitters: Pathogenic (5); Likely pathogenic (2). Last evaluated 2026-04-14.

Conditions:
Progressive familial intrahepatic cholestasis type 2. Identifiers: Orphanet 79304, MedGen C3489789, MONDO:0011156, OMIM 601847.
Benign recurrent intrahepatic cholestasis type 2 (BRIC2). Also called: Recurrent familial intrahepatic cholestasis 2. Identifiers: Orphanet 65682, Orphanet 99961, MedGen C2608083, MONDO:0011559, OMIM 605479.
Familial intrahepatic cholestasis. Identifiers: Orphanet 284385, MedGen CN296401, MONDO:0017290.

Allele frequency attached by ClinVar (database versions not stated): TOPMed 0.00001; ExAC 0.00002; gnomAD exomes 0.00002.
gnomAD v4.1: 7 of 1,612,464 alleles (0.00043%); highest among the groups gnomAD compares: African/African-American, 0.0027%; no homozygotes.

Submissions (7):

Genomenon, Inc
Classification: Pathogenic for Familial intrahepatic cholestasis. Last evaluated: 2026-04-14. Review status: criteria provided, single submitter. Criteria: Genomenon Sequence Variant Interpretation Standards - Updated. Collection method: curation. Allele origin: germline. Affected: yes.
Comment: ABCB11 p.Arg1090Ter (c.3268C>T) is a nonsense variant that introduces a premature stop codon at amino acid position 1090, creating a truncated protein that is predicted to undergo nonsense-mediated mRNA decay. This variant has been observed in at least one proband with an ABCB11-related disorder (PMID:33450190;28733223;18639688;18395098;20232290;20683201). The variant was found to segregate with disease in at least one affected family (PMID:33450190). Functional studies have been reported (PMID:33450190;33039464). It is absent or not present at a significant frequency in gnomAD. In conclusion, we classify ABCB11 p.Arg1090Ter (c.3268C>T) as a pathogenic variant.

Natera, Inc.
Classification: Pathogenic for Progressive familial intrahepatic cholestasis type 2. Last evaluated: 2025-02-21. Review status: criteria provided, single submitter. Criteria: Natera Variant Classification Schema (03/2026). Collection method: clinical testing. Allele origin: germline.
Comment: The c.3268C>T variant in ABCB11 is a nonsense variant predicted to introduce a stop codon at amino acid 1090. This variant is expected to result in nonsense mediated decay, truncation, or a dysfunctional protein product. This variant is rare in the general population with a frequency below the threshold expected for the associated phenotype(s). This variant has been observed in one or more individuals affected with the associated recessive disease, as either homozygous or compound heterozygous with a second variant (PMID: 18395098, 10579978). Given the available evidence, this variant is classified as Pathogenic.

Broad Center for Mendelian Genomics, Broad Institute of MIT and Harvard
Classification: Likely pathogenic for Progressive familial intrahepatic cholestasis type 2. Last evaluated: 2025-01-23. Review status: criteria provided, single submitter. Criteria: ACMG Guidelines, 2015. Collection method: curation. Allele origin: germline. Inheritance: Autosomal recessive inheritance.
Comment: The p.Arg1090Ter variant in ABCB11 has been reported in at least 3 individuals with BSEP deficiency (PMID: 10579978, 21490445, DOI: 10.33612/diss.133430251), and has been identified in 0.003% (2/75008) of African/African American chromosomes by the Genome Aggregation Database (gnomAD; dbSNP rs72549396). Although this variant has been seen in the general population in a heterozygous state, its frequency is low enough to be consistent with a recessive carrier frequency. This variant has also been reported in ClinVar (Variation ID: 501601) and has been interpreted as pathogenic/likely pathogenic by Eurofins Ntd Llc (ga), Revvity Omics, Labcorp Genetics, and Baylor Genetics. Of the 3 affected individuals, two were compound heterozygotes that carried reported pathogenic variant with unknown phase, which increases the likelihood that the p.Arg1090Ter variant is pathogenic (Variation ID: 500467, 6590; PMID: 21490445, DOI: 10.33612/diss.133430251). In vitro functional studies provide some evidence that the p.Arg1090Ter variant may impact protein function (PMID: 33450190). However, these types of assays may not accurately represent biological function. This nonsense variant leads to a premature termination codon at position 1090, which is predicted to lead to a truncated or absent protein. Computational tools also predict a splicing impact of in-frame exon skipping, though this information is not predictive enough to determine pathogenicity. This variant is in an in-frame exon and may escape nonsense mediated decay (NMD) and result in a truncated protein. Loss of function of the ABCB11 gene is an established disease mechanism in autosomal recessive BSEP deficiency. In summary, although additional studies are required to fully establish its clinical significance, this variant is likely pathogenic for autosomal recessive BSEP deficiency. ACMG/AMP Criteria applied: PM3, PVS1_moderate, PM2_supporting, PS3_supporting (Richards 2015).

Baylor Genetics
Classification: Pathogenic for Benign recurrent intrahepatic cholestasis type 2. Last evaluated: 2024-03-19. Review status: criteria provided, single submitter. Criteria: ACMG Guidelines, 2015. Collection method: clinical testing. Allele origin: unknown.

Labcorp Genetics (formerly Invitae), Labcorp
Classification: Pathogenic. Last evaluated: 2023-03-07. Review status: criteria provided, single submitter. Criteria: Invitae Variant Classification Sherloc (09022015). Collection method: clinical testing. Allele origin: germline.
Comment: This sequence change creates a premature translational stop signal (p.Arg1090*) in the ABCB11 gene. It is expected to result in an absent or disrupted protein product. Loss-of-function variants in ABCB11 are known to be pathogenic (PMID: 18395098, 20232290). This variant is present in population databases (rs72549396, gnomAD 0.007%). This premature translational stop signal has been observed in individual(s) with clinical features of progressive familial intrahepatic cholestasis (PMID: 10579978, 28733223). ClinVar contains an entry for this variant (Variation ID: 501601). Algorithms developed to predict the effect of sequence changes on RNA splicing suggest that this variant may disrupt the consensus splice site. For these reasons, this variant has been classified as Pathogenic.

Revvity Omics, Revvity
Classification: Likely pathogenic. Last evaluated: 2021-11-16. Review status: criteria provided, single submitter. Criteria: ACMG Guidelines, 2015. Collection method: clinical testing. Allele origin: germline.

Eurofins Ntd Llc (ga)
Classification: Pathogenic. Last evaluated: 2017-04-20. Review status: criteria provided, single submitter. Criteria: EGL Classification Definitions 2015. Collection method: clinical testing. Allele origin: germline. Observed: 1 variant allele, 1 homozygote.

Literature cited by the submitters: PubMed 33450190 (cited by Genomenon, Inc and Broad Center for Mendelian Genomics, Broad Institute of MIT and Harvard); PubMed 28733223 (cited by Genomenon, Inc and Labcorp Genetics (formerly Invitae), Labcorp); PubMed 18639688 (cited by Genomenon, Inc); PubMed 18395098 (cited by 3 submitters); PubMed 20232290 (cited by Genomenon, Inc and Labcorp Genetics (formerly Invitae), Labcorp); PubMed 20683201 (cited by Genomenon, Inc); PubMed 33039464 (cited by Genomenon, Inc); PubMed 10579978 (cited by Natera, Inc. and Labcorp Genetics (formerly Invitae), Labcorp).

NM_003742.4(ABCB11):c.3268C>T (p.Arg1090Ter)

Gene: ABCB11 (ATP binding cassette subfamily B member 11; minus strand). Cytogenetic location: 2q31.1.
Variant type: single nucleotide variant.
Coding change: c.3268C>T on transcript NM_003742.4 (MANE Select); coding-DNA position 3268, C replaced by T.
Protein change: p.Arg1090Ter; replaces arginine 1090 with a stop codon.
Molecular consequence: nonsense.
Genome position (GRCh38, 1-based): chr2:168,930,808, G>A on the plus strand (C>T on the coding strand, the complement: ABCB11 is on the minus strand). VCF-style: chr2-168930808-G-A. GRCh37 (hg19) VCF-style: chr2-169787318-G-A.
Other names: NM_003742.4(ABCB11):c.3268C>T; p.Arg1090Ter; c.3268C>T, p.Arg1090Ter (LRG_1199t1); short protein forms R1090*.
Identifiers: ClinVar variation 501601 (VCV000501601.16), dbSNP rs72549396, ClinGen allele CA1951060.
Genomic context (GRCh38, chr2:168,930,808, plus strand): 5'-CCAGTGTCTGCCCTGGACTAATCGACACTGAGAGACCATTCAGAACTTGCGAGTCAGGTC[G>A]AGAAGGATATGTAAATTTACAATCAACAAAATCAATCTTCCCCTGGAAGTTGTCCTGTGG-3'